The following is an entry in ClinVar:

ClinVar aggregate classification (germline): Likely benign. Review status: criteria provided, multiple submitters, no conflicts (2 of 4 stars). 2 submissions from 2 submitters: Likely benign (2). Last evaluated 2025-07-03.

Allele frequency attached by ClinVar (database versions not stated): ExAC 0.00001; gnomAD 0.00001.
gnomAD v4.1: 12 of 1,475,430 alleles (0.00081%); highest among the groups gnomAD compares: African/African-American, 0.0014%; no homozygotes.

Submissions (2):

Women's Health and Genetics/Laboratory Corporation of America, LabCorp
Classification: Likely benign. Last evaluated: 2025-07-03. Review status: criteria provided, single submitter. Criteria: LabCorp Variant Classification Summary - May 2015. Collection method: clinical testing. Allele origin: germline.
Comment: Variant summary: CSF1R c.1858+16G>A alters a non-conserved nucleotide located at a position not widely known to affect splicing. Consensus agreement among computation tools predict no significant impact on normal splicing. However, these predictions have yet to be confirmed by functional studies. The variant allele was found at a frequency of 8.6e-06 in 231922 control chromosomes. The available data on variant occurrences in the general population are insufficient to allow any conclusion about variant significance. To our knowledge, no occurrence of c.1858+16G>A in individuals affected with Brain Abnormalities, Neurodegeneration, And Dysosteosclerosis and no experimental evidence demonstrating its impact on protein function have been reported. ClinVar contains an entry for this variant (Variation ID: 1914894). Based on the evidence outlined above, the variant was classified as likely benign.

Labcorp Genetics (formerly Invitae), Labcorp
Classification: Likely benign. Last evaluated: 2022-06-19. Review status: criteria provided, single submitter. Criteria: Invitae Variant Classification Sherloc (09022015). Collection method: clinical testing. Allele origin: germline.

NM_001288705.3(CSF1R):c.1858+16G>A

Gene: CSF1R (colony stimulating factor 1 receptor; minus strand). Cytogenetic location: 5q32.
Variant type: single nucleotide variant.
Coding change: c.1858+16G>A on transcript NM_001288705.3 (MANE Select); 16 bases into the intron after coding-DNA position 1858, G replaced by A.
Molecular consequence: intron variant.
Genome position (GRCh38, 1-based): chr5:150,061,475, C>T on the plus strand (G>A on the coding strand, the complement: CSF1R is on the minus strand). VCF-style: chr5-150061475-C-T. GRCh37 (hg19) VCF-style: chr5-149441038-C-T.
Other names: c.1414+16G>A (NM_001375321.1); c.1858+16G>A (NM_005211.4, NM_001375320.1, NM_001349736.2).
Identifiers: ClinVar variation 1914894 (VCV001914894.7), dbSNP rs748334875, ClinGen allele CA3506683.